The following is an entry in ClinVar:

ClinVar aggregate classification (germline): Likely benign (1 of 4 stars; one submission).

Conditions:
COL4A3-related disorder. Also called: COL4A3-related condition; COL4A3-Related Disorders.

Submission:

PreventionGenetics, part of Exact Sciences
Classification: Likely benign for COL4A3-related condition. Last evaluated: 2025-07-07. Review status: criteria provided, single submitter. Criteria: ACMG Guidelines, 2015. Collection method: clinical testing. Allele origin: germline.
Comment: This variant is classified as likely benign based on ACMG/AMP sequence variant interpretation guidelines (Richards et al. 2015 PMID: 25741868, with internal and published modifications).

NM_000091.5(COL4A3):c.1150+10T>C

Genes: COL4A3 (collagen type IV alpha 3 chain; plus strand), MFF-DT (MFF divergent transcript; minus strand). Cytogenetic location: 2q36.3.
Variant type: single nucleotide variant.
Coding change: c.1150+10T>C on transcript NM_000091.5 (MANE Select); 10 bases into the intron after coding-DNA position 1150, T replaced by C.
Molecular consequence: intron variant.
Genome position (GRCh38, 1-based): chr2:227,261,127, T>C. VCF-style: chr2-227261127-T-C. GRCh37 (hg19) VCF-style: chr2-228125843-T-C.
Identifiers: ClinVar variation 4999991 (VCV004999991.1).